The following is an entry in ClinVar:

ClinVar aggregate classification (germline): Uncertain significance (1 of 4 stars; one submission).

Conditions:
Immunodeficiency 104. Also called: Severe combined immunodeficiency, autosomal recessive, T cell-negative, B cell-positive, NK cell-positive; SCID, AUTOSOMAL RECESSIVE, T CELL-NEGATIVE, B CELL-POSITIVE, NK CELL-POSITIVE; Severe Combined Immune Deficiency, Autosomal Recessive, TCell -Negative, B Cell-Positive, NK Cell-Positive, IL7R-Related; IMMUNODEFICIENCY 104, SEVERE COMBINED. Identifiers: MedGen C5676890, MONDO:0012163, OMIM 608971.

gnomAD v4.1: 4 of 1,611,412 alleles (0.00025%); highest among the groups gnomAD compares: Admixed American, 0.0033%; no homozygotes.

Submission:

Labcorp Genetics (formerly Invitae), Labcorp
Classification: Uncertain significance for Immunodeficiency 104. Last evaluated: 2025-03-07. Review status: criteria provided, single submitter. Criteria: Invitae Variant Classification Sherloc (09022015). Collection method: clinical testing. Allele origin: germline.
Comment: This sequence change replaces aspartic acid, which is acidic and polar, with histidine, which is basic and polar, at codon 1223 of the PTPRC protein (p.Asp1223His). This variant is present in population databases (no rsID available, gnomAD 0.003%). This variant has not been reported in the literature in individuals affected with PTPRC-related conditions. An algorithm developed to predict the effect of missense changes on protein structure and function (PolyPhen-2) suggests that this variant is likely to be disruptive. In summary, the available evidence is currently insufficient to determine the role of this variant in disease. Therefore, it has been classified as a Variant of Uncertain Significance.

NM_002838.5(PTPRC):c.3667G>C (p.Asp1223His)

Gene: PTPRC (protein tyrosine phosphatase receptor type C; plus strand). Cytogenetic location: 1q32.1.
Variant type: single nucleotide variant.
Coding change: c.3667G>C on transcript NM_002838.5 (MANE Select); coding-DNA position 3667, G replaced by C.
Protein change: p.Asp1223His; replaces aspartic acid 1223 with histidine.
Molecular consequence: missense variant.
Genome position (GRCh38, 1-based): chr1:198,755,927, G>C. VCF-style: chr1-198755927-G-C. GRCh37 (hg19) VCF-style: chr1-198725056-G-C.
Other names: c.3184G>C, p.Asp1062His (NM_080921.4); short protein forms D1062H, D1223H.
Identifiers: ClinVar variation 4763751 (VCV004763751.1).
Genomic context (GRCh38, chr1:198,755,927, plus strand): 5'-ACTTTCTTCATGTAATTTCCCACTTAATTCCTTTACTAGGAGCAATATCAATTCCTATAT[G>C]ACGTCATTGCCAGCACCTACCCTGCTCAGAATGGACAAGTAAAGAAAAACAACCATCAAG-3'
Protein context (NP_002829.3, residues 1213-1233): STFEQYQFLY[Asp1223His]VIASTYPAQN